The following is an entry in ClinVar:

ClinVar aggregate classification (germline): Uncertain significance. Review status: criteria provided, multiple submitters, no conflicts (2 of 4 stars). 2 submissions from 2 submitters: Uncertain significance (2). Last evaluated 2024-08-13.

Conditions:
Epilepsy, progressive myoclonic, 1B. Also called: PME. Identifiers: Orphanet 308, MedGen C2676254, MONDO:0012904, OMIM 612437.

Allele frequency attached by ClinVar (database versions not stated): gnomAD 0.00001; TOPMed 0.00001; gnomAD exomes 0.00002.
gnomAD v4.1: 37 of 1,594,522 alleles (0.0023%); highest among the groups gnomAD compares: Non-Finnish European, 0.0031%; 1 homozygote.

Submissions (2):

Labcorp Genetics (formerly Invitae), Labcorp
Classification: Uncertain significance for Epilepsy, progressive myoclonic, 1B. Last evaluated: 2024-08-13. Review status: criteria provided, single submitter. Criteria: Invitae Variant Classification Sherloc (09022015). Collection method: clinical testing. Allele origin: germline.
Comment: This sequence change replaces asparagine, which is neutral and polar, with histidine, which is basic and polar, at codon 81 of the PRICKLE1 protein (p.Asn81His). This variant is present in population databases (rs796052934, gnomAD 0.004%). This missense change has been observed in individual(s) with lumbosacral myelomeningocele (PMID: 21901791). ClinVar contains an entry for this variant (Variation ID: 206675). Advanced modeling of protein sequence and biophysical properties (such as structural, functional, and spatial information, amino acid conservation, physicochemical variation, residue mobility, and thermodynamic stability) performed at Invitae indicates that this missense variant is expected to disrupt PRICKLE1 protein function with a positive predictive value of 80%. Experimental studies have shown that this missense change affects PRICKLE1 function (PMID: 21901791). In summary, the available evidence is currently insufficient to determine the role of this variant in disease. Therefore, it has been classified as a Variant of Uncertain Significance.

Women's Health and Genetics/Laboratory Corporation of America, LabCorp
Classification: Uncertain significance. Last evaluated: 2024-05-24. Review status: criteria provided, single submitter. Criteria: LabCorp Variant Classification Summary - May 2015. Collection method: clinical testing. Allele origin: germline.
Comment: Variant summary: PRICKLE1 c.241A>C (p.Asn81His) results in a conservative amino acid change in the encoded protein sequence. Four of five in-silico tools predict a damaging effect of the variant on protein function. The variant allele was found at a frequency of 2e-05 in 251324 control chromosomes. The available data on variant occurrences in the general population are insufficient to allow any conclusion about variant significance. c.241A>C has been reported in the literature in at least one heterozygous individual affected with lumbosacral myelomeningocele (example, Bosoi_2011). These report(s) do not provide unequivocal conclusions about the association of the variant with PRICKLE1-related conditions. One publication reports increased incidence of neural tube defects/impaired embryonic development in a zebrafish model, however, does not allow convincing conclusions about the variant effect (example, Bosoi_2011). The following publication has been ascertained in the context of this evaluation (PMID: 21901791). ClinVar contains an entry for this variant (Variation ID: 206675). Based on the evidence outlined above, the variant was classified as uncertain significance.

Literature cited by the submitters: PubMed 21901791 (cited by Labcorp Genetics (formerly Invitae), Labcorp and Women's Health and Genetics/Laboratory Corporation of America, LabCorp).

NM_153026.3(PRICKLE1):c.241A>C (p.Asn81His)

Gene: PRICKLE1 (prickle planar cell polarity protein 1; minus strand). Cytogenetic location: 12q12.
Variant type: single nucleotide variant.
Coding change: c.241A>C on transcript NM_153026.3 (MANE Select); coding-DNA position 241, A replaced by C.
Protein change: p.Asn81His; replaces asparagine 81 with histidine.
Molecular consequence: missense variant.
Genome position (GRCh38, 1-based): chr12:42,470,251, T>G on the plus strand (A>C on the coding strand, the complement: PRICKLE1 is on the minus strand). VCF-style: chr12-42470251-T-G. GRCh37 (hg19) VCF-style: chr12-42864053-T-G.
Other names: c.241A>C, p.Asn81His (NM_001144881.2, NM_001144882.2, NM_001144883.2); short protein forms N81H.
Identifiers: ClinVar variation 206675 (VCV000206675.9), dbSNP rs796052934, ClinGen allele CA317003.